The following is an entry in ClinVar:

ClinVar aggregate classification (germline): Likely benign. Review status: criteria provided, multiple submitters, no conflicts (2 of 4 stars). 2 submissions from 2 submitters: Likely benign (2). Last evaluated 2025-09-17.

Conditions:
Klippel-Feil syndrome 1, autosomal dominant (KFS1). Also called: CERVICAL VERTEBRAL FUSION, AUTOSOMAL DOMINANT. Identifiers: Orphanet 2345, MedGen C1861689, MONDO:0007306, OMIM 118100.
Microphthalmia, isolated, with coloboma 6 (MCOPCB6). Also called: Microphthalmia with coloboma 6, digenic; Microphthalmia with coloboma 6; MICROPHTHALMIA/COLOBOMA 6. Identifiers: Orphanet 98938, MedGen C3150968, MONDO:0013376, OMIM 613703.
Isolated microphthalmia 4. Identifiers: Orphanet 2542, MedGen C2751307, MONDO:0013130, OMIM 613094.
Leber congenital amaurosis 17 (LCA17). Identifiers: Orphanet 65, MedGen C3715164, MONDO:0014145, OMIM 615360.

Allele frequency attached by ClinVar (database versions not stated): gnomAD 0.00002; gnomAD exomes 0.00002 and 0.00004; ExAC 0.00004; TOPMed 0.00004.
gnomAD v4.1: 31 of 1,614,070 alleles (0.0019%); highest among the groups gnomAD compares: Admixed American, 0.0067%; no homozygotes.

Submissions (2):

Labcorp Genetics (formerly Invitae), Labcorp
Classification: Likely benign for Isolated microphthalmia 4; Leber congenital amaurosis 17; Klippel-Feil syndrome 1, autosomal dominant; Microphthalmia, isolated, with coloboma 6. Last evaluated: 2025-09-17. Review status: criteria provided, single submitter. Criteria: Invitae Variant Classification Sherloc (09022015). Collection method: clinical testing. Allele origin: germline.

Illumina Laboratory Services, Illumina
Classification: Likely benign for Klippel-Feil syndrome 1, autosomal dominant. Last evaluated: 2018-01-13. Review status: criteria provided, single submitter. Criteria: ICSL Variant Classification Criteria 13 December 2019. Collection method: clinical testing. Allele origin: germline.
Comment: This variant was observed in the ICSL laboratory as part of a predisposition screen in an ostensibly healthy population. It had not been previously curated by ICSL or reported in the Human Gene Mutation Database (HGMD: prior to June 1st, 2018), and was therefore a candidate for classification through an automated scoring system. Utilizing variant allele frequency, disease prevalence and penetrance estimates, and inheritance mode, an automated score was calculated to assess if this variant is too frequent to cause the disease. Based on the score and internal cut-off values, a variant classified as likely benign is not then subjected to further curation. The score for this variant resulted in a classification of likely benign for this disease.

NM_001001557.4(GDF6):c.1233C>T (p.Asp411=)

Gene: GDF6 (growth differentiation factor 6; minus strand). Cytogenetic location: 8q22.1.
Variant type: single nucleotide variant.
Coding change: c.1233C>T on transcript NM_001001557.4 (MANE Select); coding-DNA position 1233, C replaced by T.
Protein change: p.Asp411=; no amino-acid change (aspartic acid 411 retained).
Molecular consequence: synonymous variant.
Genome position (GRCh38, 1-based): chr8:96,144,698, G>A on the plus strand (C>T on the coding strand, the complement: GDF6 is on the minus strand). VCF-style: chr8-96144698-G-A. GRCh37 (hg19) VCF-style: chr8-97156926-G-A.
Identifiers: ClinVar variation 364043 (VCV000364043.9), dbSNP rs774375234, ClinGen allele CA4815351.